The following is an entry in ClinVar:

NM_001040108.2(MLH3):c.1483_1488del (p.Ser495_Ser496del)

Gene: MLH3 (mutL homolog 3; minus strand). Cytogenetic location: 14q24.3.
Variant type: Deletion.
Coding change: c.1483_1488del on transcript NM_001040108.2 (MANE Select); coding-DNA positions 1483 to 1488, 6 bases deleted (AGCTCT; older notation c.1483_1488delAGCTCT).
Protein change: p.Ser495_Ser496del.
Molecular consequence: inframe deletion. On other transcripts: inframe indel (1).
Genome position (GRCh38, 1-based): chr14:75,048,168-75,048,173, AGAGCT deleted on the plus strand (AGCTCT on the coding strand, the reverse complement: MLH3 is on the minus strand); deleting any 6 consecutive bases within chr14:75,048,168-75,048,174 gives the same sequence; the c. name uses the placement nearest the transcript's 3' end. VCF-style (leftmost placement, unchanged base first): chr14-75048167-AAGAGCT-A. GRCh37 (hg19) VCF-style: chr14-75514870-AAGAGCT-A.
Other names: c.1483_1488del, p.Ser495_Ser496del (NM_014381.3); c.1483_1488delAGCTCT (NM_001040108.1).
Identifiers: ClinVar variation 1773611 (VCV001773611.2), dbSNP rs1892395156, ClinGen allele CA2147317907.

ClinVar aggregate classification (germline): Uncertain significance (1 of 4 stars; one submission).

Submission:

Ambry Genetics
Classification: Uncertain significance. Last evaluated: 2021-01-12. Review status: criteria provided, single submitter. Criteria: Ambry Variant Classification Scheme 2023. Collection method: clinical testing. Allele origin: germline.
Comment: The c.1483_1488delAGCTCT variant (also known as p.S495_S496del) is located in coding exon 1 of the MLH3 gene. This variant results from an in-frame AGCTCT deletion at nucleotide positions 1483 to 1488. This results in the in-frame deletion of two amino acids at codons 495 to 496. This amino acid region is not well conserved in available vertebrate species. In addition, the in silico prediction for this alteration is inconclusive (Choi Y et al. PLoS ONE. 2012; 7(10):e46688). Since supporting evidence is limited at this time, the clinical significance of this alteration remains unclear.